The following is an entry in ClinVar:

ClinVar aggregate classification (germline): Pathogenic. Review status: criteria provided, multiple submitters, no conflicts (2 of 4 stars). 5 submissions from 5 submitters: Pathogenic (5). Last evaluated 2024-02-26.

Conditions:
Hereditary cancer-predisposing syndrome. Also called: Neoplastic Syndromes, Hereditary; Tumor predisposition; Hereditary Cancer Syndrome; Hereditary neoplastic syndrome. Identifiers: Orphanet 140162, MedGen C0027672, MeSH D009386, MONDO:0015356.
Hereditary breast ovarian cancer syndrome. Also called: BRCA1- and BRCA2-Associated Hereditary Breast and Ovarian Cancer; Hereditary breast and ovarian cancer syndrome; Hereditary breast and ovarian cancer; Hereditary breast and ovarian cancer syndrome (HBOC); Breast and ovarian cancer; Hereditary breast and/or ovarian cancer syndrome. Identifiers: Orphanet 145, MedGen C0677776, MeSH D061325, MONDO:0003582. Disease mechanism: loss of function.
Familial cancer of breast. Also called: BREAST CANCER, FAMILIAL; hereditary breast carcinoma; Hereditary breast cancer. Identifiers: Orphanet 227535, MedGen C0346153, MONDO:0016419, OMIM 114480. Disease mechanism: loss of function.

Submissions (5):

Ambry Genetics
Classification: Pathogenic for Hereditary cancer-predisposing syndrome. Last evaluated: 2024-02-26. Review status: criteria provided, single submitter. Criteria: Ambry Variant Classification Scheme 2023. Collection method: clinical testing. Allele origin: germline.
Comment: The c.6244delG pathogenic mutation, located in coding exon 10 of the BRCA2 gene, results from a deletion of one nucleotide at nucleotide position 6244, causing a translational frameshift with a predicted alternate stop codon (p.E2082Nfs*4). This alteration has also been reported with a carrier frequency of 0.00014 in 7051 unselected breast cancer patients and 0 in 11241 female controls of Japanese ancestry (Momozawa Y et al. Nat Commun, 2018 10;9:4083). This alteration is expected to result in loss of function by premature protein truncation or nonsense-mediated mRNA decay. As such, this alteration is interpreted as a disease-causing mutation.

Labcorp Genetics (formerly Invitae), Labcorp
Classification: Pathogenic for Hereditary breast ovarian cancer syndrome. Last evaluated: 2023-12-17. Review status: criteria provided, single submitter. Criteria: Invitae Variant Classification Sherloc (09022015). Collection method: clinical testing. Allele origin: germline.
Comment: This sequence change creates a premature translational stop signal (p.Glu2082Asnfs*4) in the BRCA2 gene. It is expected to result in an absent or disrupted protein product. Loss-of-function variants in BRCA2 are known to be pathogenic (PMID: 20104584). This variant is not present in population databases (gnomAD no frequency). This premature translational stop signal has been observed in individual(s) with breast and/or ovarian cancer (PMID: 25236687, 31454914). ClinVar contains an entry for this variant (Variation ID: 921737). For these reasons, this variant has been classified as Pathogenic.

Women's Health and Genetics/Laboratory Corporation of America, LabCorp
Classification: Pathogenic for Hereditary breast ovarian cancer syndrome. Last evaluated: 2023-02-27. Review status: criteria provided, single submitter. Criteria: LabCorp Variant Classification Summary - May 2015. Collection method: clinical testing. Allele origin: germline.
Comment: Variant summary: BRCA2 c.6244delG (p.Glu2082AsnfsX4) results in a premature termination codon, predicted to cause a truncation of the encoded protein or absence of the protein due to nonsense mediated decay, which are commonly known mechanisms for disease. Truncations downstream of this position have been classified as pathogenic by our laboratory. The variant was absent in 293432 control chromosomes. c.6244delG has been reported in the literature in individuals affected with Hereditary Breast and Ovarian Cancer (Momozawa_2018, Villarreal-Garza_2015, Millan_2019). These data indicate that the variant is likely to be associated with disease. To our knowledge, no experimental evidence demonstrating an impact on protein function has been reported. Three clinical diagnostic laboratories have submitted clinical-significance assessments for this variant to ClinVar after 2014 without evidence for independent evaluation. All laboratories classified the variant as pathogenic. Based on the evidence outlined above, the variant was classified as pathogenic.

Baylor Genetics
Classification: Pathogenic for Familial cancer of breast. Last evaluated: 2021-04-23. Review status: criteria provided, single submitter. Criteria: ACMG Guidelines, 2015. Collection method: clinical testing. Allele origin: unknown.

Color Diagnostics, LLC DBA Color Health
Classification: Pathogenic for Hereditary cancer-predisposing syndrome. Last evaluated: 2020-01-15. Review status: criteria provided, single submitter. Criteria: ACMG Guidelines, 2015. Collection method: clinical testing. Allele origin: germline.
Comment: This variant deletes 1 nucleotide in exon 11 of the BRCA2 gene, creating a frameshift and premature translation stop signal. This variant is expected to result in an absent or non-functional protein product. This variant has not been identified in the general population by the Genome Aggregation Database (gnomAD). Loss of BRCA2 function is a known mechanism of disease. Based on the available evidence, this variant is classified as Pathogenic.

Literature cited by the submitters: PubMed 25236687 (cited by 3 submitters); PubMed 30287823 (cited by Ambry Genetics and Women's Health and Genetics/Laboratory Corporation of America, LabCorp); PubMed 20104584 (cited by Labcorp Genetics (formerly Invitae), Labcorp); PubMed 31454914 (cited by Labcorp Genetics (formerly Invitae), Labcorp and Women's Health and Genetics/Laboratory Corporation of America, LabCorp); PubMed 28985766 (cited by Women's Health and Genetics/Laboratory Corporation of America, LabCorp).

NM_000059.4(BRCA2):c.6244del (p.Glu2082fs)

Gene: BRCA2 (BRCA2 DNA repair associated; plus strand). Cytogenetic location: 13q13.1.
Variant type: Deletion.
Coding change: c.6244del on transcript NM_000059.4 (MANE Select); coding-DNA position 6244, one base deleted (G; older notation c.6244delG).
Protein change: p.Glu2082fs; shifts the reading frame from glutamic acid 2082.
Molecular consequence: frameshift variant.
Genome position (GRCh38, 1-based): chr13:32,340,599, G deleted; the last of 2 consecutive G bases (chr13:32,340,598-32,340,599); deleting either gives the same sequence. VCF-style (leftmost placement, unchanged base first): chr13-32340597-AG-A. GRCh37 (hg19) VCF-style: chr13-32914734-AG-A.
Other names: c.6244delG (NM_000059.3); short protein forms E2082fs.
Identifiers: ClinVar variation 921737 (VCV000921737.18), dbSNP rs2072549980, ClinGen allele CA658761210.